The following is an entry in ClinVar:

NM_001267550.2(TTN):c.51967_51968del (p.Ser17323fs)

Genes: TTN (titin; minus strand), TTN-AS1 (TTN antisense RNA 1; plus strand). Cytogenetic location: 2q31.2.
Variant type: Deletion.
Coding change: c.51967_51968del on transcript NM_001267550.2 (MANE Select); coding-DNA positions 51967 to 51968, 2 bases deleted (AG; older notation c.51967_51968delAG).
Protein change: p.Ser17323fs; shifts the reading frame from serine 17323.
Molecular consequence: frameshift variant.
Genome position (GRCh38, 1-based): chr2:178,609,342-178,609,343, CT deleted on the plus strand (AG on the coding strand, the reverse complement: TTN is on the minus strand); deleting any 2 consecutive bases within chr2:178,609,342-178,609,344 gives the same sequence; the c. name uses the placement nearest the transcript's 3' end. VCF-style (leftmost placement, unchanged base first): chr2-178609341-ACT-A. GRCh37 (hg19) VCF-style: chr2-179474068-ACT-A.
Other names: c.47044_47045del, p.Ser15682fs (NM_001256850.1); c.24772_24773del, p.Ser8258fs (NM_003319.4); c.44263_44264del, p.Ser14755fs (NM_133378.4); c.25147_25148del, p.Ser8383fs (NM_133432.3); c.25348_25349del, p.Ser8450fs (NM_133437.4); short protein forms S14755fs, S15682fs, S17323fs, S8258fs, S8383fs, S8450fs.
Identifiers: ClinVar variation 3759471 (VCV003759471.2).
Genomic context (GRCh38, chr2:178,609,341, plus strand): 5'-GTCAGGTCGGAGAGAATCTCGGACGCGTAGCTGAGATTCTCCCTTTTTGCTGTTGTCAAT[ACT>A]CAAACGCTGTGTCAGAGGCAGGACAAATGGTTCTTCTTCTTGAACTTCACCCTTCCTTCT-3'

ClinVar aggregate classification (germline): Likely pathogenic (1 of 4 stars; one submission).

Conditions:
Dilated cardiomyopathy 1G (CMD1G). Identifiers: Orphanet 154, MedGen C1858763, MONDO:0011400, OMIM 604145.
Autosomal recessive limb-girdle muscular dystrophy type 2J (LGMDR10). Also called: Limb-girdle muscular dystrophy, type 2J; MUSCULAR DYSTROPHY, LIMB-GIRDLE, AUTOSOMAL RECESSIVE 10. Identifiers: Orphanet 140922, MedGen C1837342, MONDO:0012127, OMIM 608807.

Submission:

Labcorp Genetics (formerly Invitae), Labcorp
Classification: Likely pathogenic for Dilated cardiomyopathy 1G; Autosomal recessive limb-girdle muscular dystrophy type 2J. Last evaluated: 2024-10-15. Review status: criteria provided, single submitter. Criteria: Invitae Variant Classification Sherloc (09022015). Collection method: clinical testing. Allele origin: germline.
Comment: This sequence change creates a premature translational stop signal (p.Ser17323Tyrfs*2) in the TTN gene. While this is not anticipated to result in nonsense mediated decay, it is expected to create a truncated TTN protein. This variant is not present in population databases (gnomAD no frequency). This variant has not been reported in the literature in individuals affected with TTN-related conditions. Algorithms developed to predict the effect of sequence changes on RNA splicing suggest that this variant may create or strengthen a splice site. This variant is located in the A band of TTN (PMID: 25589632). Truncating variants in this region are significantly overrepresented in patients affected with dilated cardiomyopathy (PMID: 25589632). Truncating variants in this region have also been reported in individuals affected with autosomal recessive centronuclear myopathy (PMID: 23975875). In summary, the currently available evidence indicates that the variant is pathogenic, but additional data are needed to prove that conclusively. Therefore, this variant has been classified as Likely Pathogenic.

Literature cited by the submitters: PubMed 25589632; PubMed 23975875.